The following is an entry in ClinVar:

ClinVar aggregate classification (germline): Likely benign. Review status: criteria provided, multiple submitters, no conflicts (2 of 4 stars). 4 submissions from 4 submitters: Likely benign (3). 1 of the submissions does not count toward it. Last evaluated 2026-01-08.

Conditions:
EML1-related disorder. Also called: EML1-related condition.

Allele frequency attached by ClinVar (database versions not stated): TOPMed 0.00037; ESP Exome Variant Server 0.00046; gnomAD exomes 0.00048 and 0.00055; gnomAD 0.00050 and 0.00053; ExAC 0.00052.
gnomAD v4.1: 856 of 1,612,476 alleles (0.053%); highest among the groups gnomAD compares: Non-Finnish European, 0.069%; 1 homozygote.

Submissions (4):

Labcorp Genetics (formerly Invitae), Labcorp
Classification: Likely benign. Last evaluated: 2026-01-08. Review status: criteria provided, single submitter. Criteria: Invitae Variant Classification Sherloc (09022015). Collection method: clinical testing. Allele origin: germline.

Blueprint Genetics
Classification: Likely benign. Last evaluated: 2024-11-11. Review status: criteria provided, single submitter. Criteria: ACMG Guidelines, 2015. Collection method: clinical testing. Allele origin: germline.

Genetic Services Laboratory, University of Chicago
Classification: Likely benign. Last evaluated: 2020-04-30. Review status: criteria provided, single submitter. Criteria: ACMG Guidelines, 2015. Collection method: clinical testing. Allele origin: germline. Affected: no.

PreventionGenetics, part of Exact Sciences
Classification: Likely benign for EML1-related condition. Last evaluated: 2019-03-14. Review status: no assertion criteria provided. Collection method: clinical testing. Allele origin: germline. Not counted in ClinVar's aggregate classification.
Comment: This variant is classified as likely benign based on ACMG/AMP sequence variant interpretation guidelines (Richards et al. 2015 PMID: 25741868, with internal and published modifications).

NM_004434.3(EML1):c.1452C>T (p.Leu484=)

Gene: EML1 (EMAP like 1; plus strand). Cytogenetic location: 14q32.2.
Variant type: single nucleotide variant.
Coding change: c.1452C>T on transcript NM_004434.3 (MANE Select); coding-DNA position 1452, C replaced by T.
Protein change: p.Leu484=; no amino-acid change (leucine 484 retained).
Molecular consequence: synonymous variant.
Genome position (GRCh38, 1-based): chr14:99,911,534, C>T. VCF-style: chr14-99911534-C-T. GRCh37 (hg19) VCF-style: chr14-100377871-C-T.
Other names: c.1509C>T, p.Leu503= (NM_001008707.2); c.1413C>T, p.Leu471= (NM_001375411.1); c.1452C>T, p.Leu484= (NM_001375412.1).
Identifiers: ClinVar variation 754280 (VCV000754280.15), dbSNP rs147023936, ClinGen allele CA7342639.